The following is an entry in ClinVar:

NM_014844.5(TECPR2):c.1687G>A (p.Glu563Lys)

Gene: TECPR2 (tectonin beta-propeller repeat containing 2; plus strand). Cytogenetic location: 14q32.31.
Variant type: single nucleotide variant.
Coding change: c.1687G>A on transcript NM_014844.5 (MANE Select); coding-DNA position 1687, G replaced by A.
Protein change: p.Glu563Lys; replaces glutamic acid 563 with lysine.
Molecular consequence: missense variant.
Genome position (GRCh38, 1-based): chr14:102,434,504, G>A. VCF-style: chr14-102434504-G-A. GRCh37 (hg19) VCF-style: chr14-102900841-G-A.
Other names: c.1687G>A, p.Glu563Lys (NM_001172631.3); short protein forms E563K.
Identifiers: ClinVar variation 3250775 (VCV003250775.18), dbSNP rs867965598.

ClinVar aggregate classification (germline): Uncertain significance (1 of 4 stars; one submission).

Allele frequency attached by ClinVar (database versions not stated): gnomAD exomes 0.00001; gnomAD 0.00002; TOPMed 0.00002.
gnomAD v4.1: 16 of 1,563,004 alleles (0.001%); highest among the groups gnomAD compares: Middle Eastern, 0.035%; no homozygotes.

Submission:

CeGaT Center for Human Genetics Tuebingen
Classification: Uncertain significance. Last evaluated: 2024-06-01. Review status: criteria provided, single submitter. Criteria: CeGaT Center For Human Genetics Tuebingen Variant Classification Criteria Version 2. Collection method: clinical testing. Allele origin: germline. Affected: yes. Observed: 1 variant allele.
Comment: TECPR2: PM2, BP4